The following is an entry in ClinVar:

GRCh37/hg19 14q12(chr14:28062826-28192913)x1

Variant type: copy number loss.
Change: copy number 1 (one copy instead of two) of chr14:28,062,826-28,192,913 (130.1 kb, GRCh37 coordinates, 1-based), cytogenetic band 14q12.
Identifiers: ClinVar variation 202221 (VCV000202221.4).

ClinVar aggregate classification (germline): Benign (1 of 4 stars; one submission).

Submission:

Cytogenetics Laboratory, University of Washington
Classification: Benign. Last evaluated: 2015-01-16. Review status: criteria provided, single submitter. Criteria: UW Cytogenetics and Genomics Laboratory Policy on CNV Interpretation (5/6/2015). Collection method: clinical testing. Allele origin: unknown. Affected: yes. Observed: 1 variant allele.